The following is an entry in ClinVar:

ClinVar aggregate classification (germline): Uncertain significance (1 of 4 stars; one submission).

Allele frequency attached by ClinVar (database versions not stated): gnomAD exomes below 0.00001 and 0.00001; TOPMed below 0.00001.

Submission:

GeneDx
Classification: Uncertain significance. Last evaluated: 2019-05-22. Review status: criteria provided, single submitter. Criteria: GeneDx Variant Classification Process June 2021. Collection method: clinical testing. Allele origin: germline. Affected: yes.
Comment: Has not been previously published as pathogenic or benign to our knowledge; In silico analysis, which includes protein predictors and evolutionary conservation, supports that this variant does not alter protein structure/function

NM_002427.4(MMP13):c.1388T>C (p.Met463Thr)

Gene: MMP13 (matrix metallopeptidase 13; minus strand). Cytogenetic location: 11q22.2.
Variant type: single nucleotide variant.
Coding change: c.1388T>C on transcript NM_002427.4 (MANE Select); coding-DNA position 1388, T replaced by C.
Protein change: p.Met463Thr; replaces methionine 463 with threonine.
Molecular consequence: missense variant.
Genome position (GRCh38, 1-based): chr11:102,944,294, A>G on the plus strand (T>C on the coding strand, the complement: MMP13 is on the minus strand). VCF-style: chr11-102944294-A-G. GRCh37 (hg19) VCF-style: chr11-102815023-A-G.
Other names: short protein forms M463T.
Identifiers: ClinVar variation 1305698 (VCV001305698.2), dbSNP rs1262024731, ClinGen allele CA382225675.